The following is an entry in ClinVar:

ClinVar aggregate classification (germline): Uncertain significance (1 of 4 stars; one submission).

Allele frequency attached by ClinVar (database versions not stated): TOPMed 0.00001; gnomAD 0.00002.
gnomAD v4.1: 16 of 1,613,434 alleles (0.00099%); highest among the groups gnomAD compares: African/African-American, 0.0027%; no homozygotes.

Submission:

Labcorp Genetics (formerly Invitae), Labcorp
Classification: Uncertain significance. Last evaluated: 2022-07-12. Review status: criteria provided, single submitter. Criteria: Invitae Variant Classification Sherloc (09022015). Collection method: clinical testing. Allele origin: germline.
Comment: This sequence change replaces isoleucine, which is neutral and non-polar, with valine, which is neutral and non-polar, at codon 470 of the PNPT1 protein (p.Ile470Val). This variant is present in population databases (no rsID available, gnomAD 0.01%). This variant has not been reported in the literature in individuals affected with PNPT1-related conditions. ClinVar contains an entry for this variant (Variation ID: 1403356). Advanced modeling of protein sequence and biophysical properties (such as structural, functional, and spatial information, amino acid conservation, physicochemical variation, residue mobility, and thermodynamic stability) performed at Invitae indicates that this missense variant is not expected to disrupt PNPT1 protein function. Algorithms developed to predict the effect of sequence changes on RNA splicing suggest that this variant may create or strengthen a splice site. In summary, the available evidence is currently insufficient to determine the role of this variant in disease. Therefore, it has been classified as a Variant of Uncertain Significance.

NM_033109.5(PNPT1):c.1408A>G (p.Ile470Val)

Gene: PNPT1 (polyribonucleotide nucleotidyltransferase 1; minus strand). Cytogenetic location: 2p16.1.
Variant type: single nucleotide variant.
Coding change: c.1408A>G on transcript NM_033109.5 (MANE Select); coding-DNA position 1408, A replaced by G.
Protein change: p.Ile470Val; replaces isoleucine 470 with valine.
Molecular consequence: missense variant.
Genome position (GRCh38, 1-based): chr2:55,656,164, T>C on the plus strand (A>G on the coding strand, the complement: PNPT1 is on the minus strand). VCF-style: chr2-55656164-T-C. GRCh37 (hg19) VCF-style: chr2-55883299-T-C.
Other names: short protein forms I470V.
Identifiers: ClinVar variation 1403356 (VCV001403356.6), dbSNP rs1413266431, ClinGen allele CA346927053.